The following is an entry in ClinVar:

ClinVar aggregate classification (germline): Uncertain significance. Review status: criteria provided, multiple submitters, no conflicts (2 of 4 stars). 2 submissions from 2 submitters: Uncertain significance (2). Last evaluated 2025-07-27.

Conditions:
Hereditary cancer-predisposing syndrome. Also called: Hereditary neoplastic syndrome; Neoplastic Syndromes, Hereditary; Hereditary Cancer Syndrome; Tumor predisposition. Identifiers: Orphanet 140162, MedGen C0027672, MeSH D009386, MONDO:0015356.
Ataxia-telangiectasia syndrome (AT). Also called: AT, COMPLEMENTATION GROUP C; Cerebello-oculocutaneous telangiectasia; Immunodeficiency with ataxia telangiectasia; Ataxia-telangiectasia, complementation group D; ATAXIA-TELANGIECTASIA, FRESNO VARIANT; Ataxia-telangiectasia, complementation group E. Identifiers: Orphanet 100, MedGen C0004135, MONDO:0008840, OMIM 208900.

Submissions (2):

Labcorp Genetics (formerly Invitae), Labcorp
Classification: Uncertain significance for Ataxia-telangiectasia syndrome. Last evaluated: 2025-07-27. Review status: criteria provided, single submitter. Criteria: Invitae Variant Classification Sherloc (09022015). Collection method: clinical testing. Allele origin: germline.
Comment: This sequence change replaces alanine, which is neutral and non-polar, with threonine, which is neutral and polar, at codon 545 of the ATM protein (p.Ala545Thr). This variant is not present in population databases (gnomAD no frequency). This variant has not been reported in the literature in individuals affected with ATM-related conditions. ClinVar contains an entry for this variant (Variation ID: 570803). Invitae Evidence Modeling of protein sequence and biophysical properties (such as structural, functional, and spatial information, amino acid conservation, physicochemical variation, residue mobility, and thermodynamic stability) indicates that this missense variant is not expected to disrupt ATM protein function with a negative predictive value of 95%. In summary, the available evidence is currently insufficient to determine the role of this variant in disease. Therefore, it has been classified as a Variant of Uncertain Significance.

Ambry Genetics
Classification: Uncertain significance for Hereditary cancer-predisposing syndrome. Last evaluated: 2024-05-09. Review status: criteria provided, single submitter. Criteria: Ambry Variant Classification Scheme 2023. Collection method: clinical testing. Allele origin: germline.
Comment: The p.A545T variant (also known as c.1633G>A), located in coding exon 10 of the ATM gene, results from a G to A substitution at nucleotide position 1633. The alanine at codon 545 is replaced by threonine, an amino acid with similar properties. This amino acid position is conserved. In addition, the in silico prediction for this alteration is inconclusive. Based on the available evidence, the clinical significance of this variant remains unclear.

NM_000051.4(ATM):c.1633G>A (p.Ala545Thr)

Gene: ATM (ATM serine/threonine kinase; plus strand). Cytogenetic location: 11q22.3.
Variant type: single nucleotide variant.
Coding change: c.1633G>A on transcript NM_000051.4 (MANE Select); coding-DNA position 1633, G replaced by A.
Protein change: p.Ala545Thr; replaces alanine 545 with threonine.
Molecular consequence: missense variant.
Genome position (GRCh38, 1-based): chr11:108,251,862, G>A. VCF-style: chr11-108251862-G-A. GRCh37 (hg19) VCF-style: chr11-108122589-G-A.
Other names: c.1633G>A, p.Ala545Thr (NM_001351834.2); short protein forms A545T.
Identifiers: ClinVar variation 570803 (VCV000570803.10), dbSNP rs1565385130, ClinGen allele CA382534518.